The following is an entry in ClinVar:

NM_019032.6(ADAMTSL4):c.676C>G (p.Pro226Ala)

Genes: ADAMTSL4 (ADAMTS like 4; plus strand), ADAMTSL4-AS2 (ADAMTSL4 antisense RNA 2; minus strand). Cytogenetic location: 1q21.2.
Variant type: single nucleotide variant.
Coding change: c.676C>G on transcript NM_019032.6 (MANE Select); coding-DNA position 676, C replaced by G.
Protein change: p.Pro226Ala; replaces proline 226 with alanine.
Molecular consequence: missense variant.
Genome position (GRCh38, 1-based): chr1:150,553,667, C>G. VCF-style: chr1-150553667-C-G. GRCh37 (hg19) VCF-style: chr1-150526143-C-G.
Other names: c.676C>G, p.Pro226Ala (NM_001288607.2, NM_001288608.2, NM_001378596.1 and 1 more transcripts); short protein forms P226A.
Identifiers: ClinVar variation 4743557 (VCV004743557.1).
Genomic context (GRCh38, chr1:150,553,667, plus strand): 5'-GCAAACGGCAGCCCCCAAACTGAGCTCCCTCCCACAGAACTGTCTGTCCACACCCCATCC[C>G]CCCAAGCAGAACCTCTAAGCCCTGAAACTGCTCAGACAGAGGTGGCCCCCAGAACCAGGC-3'
Protein context (NP_061905.2, residues 216-236): PTELSVHTPS[Pro226Ala]QAEPLSPETA

ClinVar aggregate classification (germline): Uncertain significance (1 of 4 stars; one submission).

Submission:

Labcorp Genetics (formerly Invitae), Labcorp
Classification: Uncertain significance. Last evaluated: 2025-03-24. Review status: criteria provided, single submitter. Criteria: Invitae Variant Classification Sherloc (09022015). Collection method: clinical testing. Allele origin: germline.
Comment: This sequence change replaces proline, which is neutral and non-polar, with alanine, which is neutral and non-polar, at codon 226 of the ADAMTSL4 protein (p.Pro226Ala). This variant is not present in population databases (gnomAD no frequency). This variant has not been reported in the literature in individuals affected with ADAMTSL4-related conditions. Invitae Evidence Modeling of protein sequence and biophysical properties (such as structural, functional, and spatial information, amino acid conservation, physicochemical variation, residue mobility, and thermodynamic stability) indicates that this missense variant is not expected to disrupt ADAMTSL4 protein function with a negative predictive value of 80%. In summary, the available evidence is currently insufficient to determine the role of this variant in disease. Therefore, it has been classified as a Variant of Uncertain Significance.